The following is an entry in ClinVar:

ClinVar aggregate classification (germline): Uncertain significance (1 of 4 stars; one submission).

Conditions:
Autoimmune interstitial lung disease-arthritis syndrome. Also called: Autoinflammation and autoimmunity, systemic, with immune dysregulation. Identifiers: Orphanet 444092, MedGen C5975714, MONDO:0014629.

Allele frequency attached by ClinVar (database versions not stated): gnomAD exomes below 0.00001.
gnomAD v4.1: 2 of 1,610,186 alleles (0.00012%); highest among the groups gnomAD compares: East Asian, 0.0022%; no homozygotes.

Submission:

Labcorp Genetics (formerly Invitae), Labcorp
Classification: Uncertain significance for Autoimmune interstitial lung disease-arthritis syndrome. Last evaluated: 2023-06-27. Review status: criteria provided, single submitter. Criteria: Invitae Variant Classification Sherloc (09022015). Collection method: clinical testing. Allele origin: germline.
Comment: This sequence change replaces phenylalanine, which is neutral and non-polar, with leucine, which is neutral and non-polar, at codon 101 of the COPA protein (p.Phe101Leu). This variant is not present in population databases (gnomAD no frequency). This variant has not been reported in the literature in individuals affected with COPA-related conditions. Advanced modeling of protein sequence and biophysical properties (such as structural, functional, and spatial information, amino acid conservation, physicochemical variation, residue mobility, and thermodynamic stability) performed at Invitae indicates that this missense variant is expected to disrupt COPA protein function. In summary, the available evidence is currently insufficient to determine the role of this variant in disease. Therefore, it has been classified as a Variant of Uncertain Significance.

NM_004371.4(COPA):c.301T>C (p.Phe101Leu)

Gene: COPA (coat protein complex I subunit alpha; minus strand). Cytogenetic location: 1q23.2.
Variant type: single nucleotide variant.
Coding change: c.301T>C on transcript NM_004371.4 (MANE Select); coding-DNA position 301, T replaced by C.
Protein change: p.Phe101Leu; replaces phenylalanine 101 with leucine.
Molecular consequence: missense variant.
Genome position (GRCh38, 1-based): chr1:160,335,250, A>G on the plus strand (T>C on the coding strand, the complement: COPA is on the minus strand). VCF-style: chr1-160335250-A-G. GRCh37 (hg19) VCF-style: chr1-160305040-A-G.
Other names: c.301T>C, p.Phe101Leu (NM_001098398.2); short protein forms F101L.
Identifiers: ClinVar variation 3003255 (VCV003003255.3), dbSNP rs2525462703, ClinGen allele CA343271297.
Genomic context (GRCh38, chr1:160,335,250, plus strand): 5'-ACTATGGGGAAACTAAGAATGCTCCAAAACTAGCGCCACCATGACTACTTACATGATGAA[A>G]AAACGTGGTGCGAATATAATCTAAGTGCCCAAGCAATGTGAAAAGACAGCGCCGAAGCTT-3'
Protein context (NP_004362.2, residues 91-111): GHLDYIRTTF[Phe101Leu]HHEYPWILSA